The following is an entry in ClinVar:

ClinVar aggregate classification (germline): Pathogenic/Likely pathogenic. Review status: criteria provided, multiple submitters, no conflicts (2 of 4 stars). 2 submissions from 2 submitters: Pathogenic (1); Likely pathogenic (1). Last evaluated 2023-10-27.

Conditions:
Cardiovascular phenotype. Identifiers: MedGen CN230736.
Autosomal recessive limb-girdle muscular dystrophy type 2J (LGMDR10). Also called: Limb-girdle muscular dystrophy, type 2J; MUSCULAR DYSTROPHY, LIMB-GIRDLE, AUTOSOMAL RECESSIVE 10. Identifiers: Orphanet 140922, MedGen C1837342, MONDO:0012127, OMIM 608807.
Dilated cardiomyopathy 1G (CMD1G). Identifiers: Orphanet 154, MedGen C1858763, MONDO:0011400, OMIM 604145.

Submissions (2):

Labcorp Genetics (formerly Invitae), Labcorp
Classification: Pathogenic for Dilated cardiomyopathy 1G; Autosomal recessive limb-girdle muscular dystrophy type 2J. Last evaluated: 2023-10-27. Review status: criteria provided, single submitter. Criteria: Invitae Variant Classification Sherloc (09022015). Collection method: clinical testing. Allele origin: germline.
Comment: This sequence change creates a premature translational stop signal (p.Val25707Glyfs*2) in the TTN gene. While this is not anticipated to result in nonsense mediated decay, it is expected to create a truncated TTN protein. This variant is not present in population databases (gnomAD no frequency). This premature translational stop signal has been observed in individual(s) with dilated cardiomyopathy (Invitae). In at least one individual the variant was observed to be de novo. ClinVar contains an entry for this variant (Variation ID: 1744605). This variant is located in the A band of TTN (PMID: 25589632). Truncating variants in this region are significantly overrepresented in patients affected with dilated cardiomyopathy (PMID: 25589632). Truncating variants in this region have also been reported in individuals affected with autosomal recessive centronuclear myopathy (PMID: 23975875). For these reasons, this variant has been classified as Pathogenic.

Ambry Genetics
Classification: Likely pathogenic for Cardiovascular phenotype. Last evaluated: 2022-05-04. Review status: criteria provided, single submitter. Criteria: Ambry Variant Classification Scheme 2023. Collection method: clinical testing. Allele origin: germline.
Comment: The c.49925_49926delTG variant, located in coding exon 153 of the TTN gene, results from a deletion of two nucleotides at nucleotide positions 49925 to 49926, causing a translational frameshift with a predicted alternate stop codon (p.V16642Gfs*2). This exon is located in the A-band region of the N2-B isoform of the titin protein and is constitutively expressed in TTN transcripts (percent spliced in or PSI 100%). This variant is considered to be rare based on population cohorts in the Genome Aggregation Database (gnomAD). This alteration is expected to result in loss of function by premature protein truncation or nonsense-mediated mRNA decay. While truncating variants in TTN are present in 1-3% of the general population, truncating variants in the A-band are the most common cause of dilated cardiomyopathy (DCM) (Herman DS et al. N. Engl. J. Med., 2012 Feb;366:619-28; Roberts AM et al. Sci Transl Med, 2015 Jan;7:270ra6). TTN truncating variants encoded in constitutive exons (PSI >90%) have been found to be significantly associated with DCM regardless of their position in titin (Schafer S et al. Nat. Genet., 2017 01;49:46-53). As such, this alteration is classified as likely pathogenic.

Literature cited by the submitters: PubMed 25589632 (cited by Labcorp Genetics (formerly Invitae), Labcorp); PubMed 23975875 (cited by Labcorp Genetics (formerly Invitae), Labcorp).

NM_001267550.2(TTN):c.77120_77121del (p.Val25707fs)

Genes: TTN (titin; minus strand), TTN-AS1 (TTN antisense RNA 1; plus strand). Cytogenetic location: 2q31.2.
Variant type: Microsatellite.
Coding change: c.77120_77121del on transcript NM_001267550.2 (MANE Select); coding-DNA positions 77120 to 77121, 2 bases deleted (TG; older notation c.77120_77121delTG).
Protein change: p.Val25707fs; shifts the reading frame from valine 25707.
Molecular consequence: frameshift variant.
Genome position (GRCh38, 1-based): chr2:178,569,011-178,569,012, CA deleted on the plus strand (TG on the coding strand, the reverse complement: TTN is on the minus strand); deleting any 2 consecutive bases within chr2:178,569,011-178,569,014 gives the same sequence; the c. name uses the placement nearest the transcript's 3' end. VCF-style (leftmost placement, unchanged base first): chr2-178569010-CCA-C. GRCh37 (hg19) VCF-style: chr2-179433737-CCA-C.
Other names: c.72197_72198del, p.Val24066fs (NM_001256850.1); c.49925_49926del, p.Val16642fs (NM_003319.4); c.69416_69417del, p.Val23139fs (NM_133378.4); c.50300_50301del, p.Val16767fs (NM_133432.3); c.50501_50502del, p.Val16834fs (NM_133437.4); c.49925_49926delTG (NM_003319.4); short protein forms V16642fs, V16834fs, V24066fs, V25707fs, V16767fs, V23139fs.
Identifiers: ClinVar variation 1744605 (VCV001744605.7), dbSNP rs2468386814, ClinGen allele CA2580614437.